The following is an entry in ClinVar:

NM_000535.7(PMS2):c.1838A>T (p.Lys613Met)

Gene: PMS2 (PMS1 homolog 2, mismatch repair system component; minus strand). Cytogenetic location: 7p22.1.
Variant type: single nucleotide variant.
Coding change: c.1838A>T on transcript NM_000535.7 (MANE Select); coding-DNA position 1838, A replaced by T.
Protein change: p.Lys613Met; replaces lysine 613 with methionine.
Molecular consequence: missense variant. On other transcripts: non-coding transcript variant (1).
Genome position (GRCh38, 1-based): chr7:5,986,927, T>A on the plus strand (A>T on the coding strand, the complement: PMS2 is on the minus strand). VCF-style: chr7-5986927-T-A. GRCh37 (hg19) VCF-style: chr7-6026558-T-A.
Other names: c.1433A>T, p.Lys478Met (NM_001322003.2, NM_001322004.2, NM_001322005.2 and 1 more transcripts); c.1682A>T, p.Lys561Met (NM_001322006.2); c.1520A>T, p.Lys507Met (NM_001322007.2, NM_001322008.2); c.1277A>T, p.Lys426Met (NM_001322010.2); c.905A>T, p.Lys302Met (NM_001322011.2, NM_001322012.2); c.1265A>T, p.Lys422Met (NM_001322013.2); c.1838A>T, p.Lys613Met (NM_001322014.2); c.1529A>T, p.Lys510Met (NM_001322015.2); and 1 more; short protein forms K478M, K302M, K510M, K613M, K422M, K426M, K507M, K561M.
Identifiers: ClinVar variation 1432974 (VCV001432974.9), dbSNP rs2128722605, ClinGen allele CA366739646.

ClinVar aggregate classification (germline): Uncertain significance. Review status: criteria provided, multiple submitters, no conflicts (2 of 4 stars). 2 submissions from 2 submitters: Uncertain significance (2). Last evaluated 2024-12-09.

Conditions:
Hereditary nonpolyposis colorectal neoplasms. Identifiers: MedGen C0009405, MeSH D003123.
Hereditary cancer-predisposing syndrome. Also called: Hereditary Cancer Syndrome; Hereditary neoplastic syndrome; Neoplastic Syndromes, Hereditary; Tumor predisposition. Identifiers: Orphanet 140162, MedGen C0027672, MeSH D009386, MONDO:0015356.

Submissions (2):

Ambry Genetics
Classification: Uncertain significance for Hereditary cancer-predisposing syndrome. Last evaluated: 2024-12-09. Review status: criteria provided, single submitter. Criteria: Ambry Variant Classification Scheme 2023. Collection method: clinical testing. Allele origin: germline.
Comment: The p.K613M variant (also known as c.1838A>T), located in coding exon 11 of the PMS2 gene, results from an A to T substitution at nucleotide position 1838. The lysine at codon 613 is replaced by methionine, an amino acid with similar properties. This variant has been identified in a cohort of 8085 Chinese breast cancer patients (Hu L et al. NPJ Breast Cancer, 2022 Apr;8:52). This amino acid position is well conserved in available vertebrate species. In addition, this alteration is predicted to be tolerated by in silico analysis. Based on the available evidence, the clinical significance of this variant remains unclear.

Labcorp Genetics (formerly Invitae), Labcorp
Classification: Uncertain significance for Hereditary nonpolyposis colorectal neoplasms. Last evaluated: 2023-02-26. Review status: criteria provided, single submitter. Criteria: Invitae Variant Classification Sherloc (09022015). Collection method: clinical testing. Allele origin: germline.
Comment: This variant has not been reported in the literature in individuals affected with PMS2-related conditions. This sequence change replaces lysine, which is basic and polar, with methionine, which is neutral and non-polar, at codon 613 of the PMS2 protein (p.Lys613Met). This variant is not present in population databases (gnomAD no frequency). ClinVar contains an entry for this variant (Variation ID: 1432974). Advanced modeling of protein sequence and biophysical properties (such as structural, functional, and spatial information, amino acid conservation, physicochemical variation, residue mobility, and thermodynamic stability) performed at Invitae indicates that this missense variant is expected to disrupt PMS2 protein function. In summary, the available evidence is currently insufficient to determine the role of this variant in disease. Therefore, it has been classified as a Variant of Uncertain Significance.

Literature cited by the submitters: PubMed 35449176 (cited by Ambry Genetics).